The following is an entry in ClinVar:

NM_005536.4(IMPA1):c.719G>A (p.Gly240Asp)

Gene: IMPA1 (inositol monophosphatase 1; minus strand). Cytogenetic location: 8q21.13.
Variant type: single nucleotide variant.
Coding change: c.719G>A on transcript NM_005536.4 (MANE Select); coding-DNA position 719, G replaced by A.
Protein change: p.Gly240Asp; replaces glycine 240 with aspartic acid.
Molecular consequence: missense variant. On other transcripts: 3 prime UTR variant (1).
Genome position (GRCh38, 1-based): chr8:81,659,466, C>T on the plus strand (G>A on the coding strand, the complement: IMPA1 is on the minus strand). VCF-style: chr8-81659466-C-T. GRCh37 (hg19) VCF-style: chr8-82571701-C-T.
Other names: c.896G>A, p.Gly299Asp (NM_001144878.2); c.*13G>A (NM_001144879.2); short protein forms G240D, G299D.
Identifiers: ClinVar variation 1029977 (VCV001029977.1), dbSNP rs1260261553, ClinGen allele CA371580561.
Genomic context (GRCh38, chr8:81,659,466, plus strand): 5'-TCTGCTAATATTCTATTATTTGCAGCAATTACTCTTCGTGACATCAAATCAAATGGTCCA[C>T]CTAAAAGCAAACAAGTATGAAAAATAATTTTATCTGGTACAAAAATAATTCATATAAAAC-3'
Protein context (NP_005527.1, residues 230-250): EAGGVLMDVT[Gly240Asp]GPFDLMSRRV

ClinVar aggregate classification (germline): Uncertain significance (1 of 4 stars; one submission).

Conditions:
Intellectual developmental disorder, autosomal recessive 59. Also called: Intellectual disability, autosomal recessive 59. Identifiers: MedGen C4310619, MONDO:0015020, OMIM 617323.

Allele frequency attached by ClinVar (database versions not stated): gnomAD exomes 0.00001.
gnomAD v4.1: 9 of 1,538,106 alleles (0.00059%); highest among the groups gnomAD compares: Non-Finnish European, 0.00081%; no homozygotes.

Submission:

Baylor Genetics
Classification: Uncertain significance for Intellectual developmental disorder, autosomal recessive 59. Last evaluated: 2019-03-02. Review status: criteria provided, single submitter. Criteria: ACMG Guidelines, 2015. Collection method: clinical testing. Allele origin: maternal. Affected: yes.
Comment: This variant was determined to be of uncertain significance according to ACMG Guidelines, 2015 [PMID:25741868].